The following is an entry in ClinVar:

ClinVar aggregate classification (germline): Uncertain significance (1 of 4 stars; one submission).

Conditions:
Developmental and epileptic encephalopathy 94 (DEE94). Also called: CHD2-Related Neurodevelopmental Disorders; Epileptic encephalopathy, childhood-onset. Identifiers: Orphanet 1942, Orphanet 2382, MedGen C3809278, MONDO:0014150, OMIM 615369.

Submission:

Labcorp Genetics (formerly Invitae), Labcorp
Classification: Uncertain significance for Developmental and epileptic encephalopathy 94. Last evaluated: 2017-11-28. Review status: criteria provided, single submitter. Criteria: Invitae Variant Classification Sherloc (09022015). Collection method: clinical testing. Allele origin: germline.
Comment: This variant is not present in population databases (ExAC no frequency). In summary, the available evidence is currently insufficient to determine the role of this variant in disease. Therefore, it has been classified as a Variant of Uncertain Significance. Algorithms developed to predict the effect of missense changes on protein structure and function do not agree on the potential impact of this missense change (SIFT: "Deleterious"; PolyPhen-2: "Benign"; Align-GVGD: "Class C15"). This variant has not been reported in the literature in individuals with CHD2-related disease. This sequence change replaces glutamic acid with lysine at codon 161 of the CHD2 protein (p.Glu161Lys). The glutamic acid residue is highly conserved and there is a small physicochemical difference between glutamic acid and lysine.

NM_001271.4(CHD2):c.481G>A (p.Glu161Lys)

Gene: CHD2 (chromodomain helicase DNA binding protein 2; plus strand). Cytogenetic location: 15q26.1.
Variant type: single nucleotide variant.
Coding change: c.481G>A on transcript NM_001271.4 (MANE Select); coding-DNA position 481, G replaced by A.
Protein change: p.Glu161Lys; replaces glutamic acid 161 with lysine.
Molecular consequence: missense variant.
Genome position (GRCh38, 1-based): chr15:92,937,555, G>A. VCF-style: chr15-92937555-G-A. GRCh37 (hg19) VCF-style: chr15-93480785-G-A.
Other names: c.481G>A, p.Glu161Lys (NM_001042572.3); short protein forms E161K.
Identifiers: ClinVar variation 541364 (VCV000541364.9), dbSNP rs1555438837, ClinGen allele CA393899639.